The following is an entry in ClinVar:

ClinVar aggregate classification (germline): Likely pathogenic (1 of 4 stars; one submission).

Conditions:
Cockayne syndrome. Identifiers: Orphanet 191, MedGen C0009207, MONDO:0016006.

Submission:

Women's Health and Genetics/Laboratory Corporation of America, LabCorp
Classification: Likely pathogenic for Cockayne syndrome. Last evaluated: 2022-05-02. Review status: criteria provided, single submitter. Criteria: LabCorp Variant Classification Summary - May 2015. Collection method: clinical testing. Allele origin: germline.
Comment: Variant summary: The variant identified by MLPA or other technology involves the deletion of exons 1-4 in the ERCC8 gene, which includes the start codon. A presumed nomenclature of c.(?_-71)_(399+1_400-1)del has been designated for the purposes of this classification. The variant was absent in 21694 control chromosomes (gnomAD, Structural Variants dataset). To our knowledge, no occurrence of c.(?_-71)_(399+1_400-1)del in individuals affected with Cockayne Syndrome and no experimental evidence demonstrating its impact on protein function have been reported. No clinical diagnostic laboratories have submitted clinical-significance assessments for this variant to ClinVar after 2014. Based on the evidence outlined above, the variant was classified as likely pathogenic.

NC_000005.9:g.(60200701_60214091)_(60240906_?)del

Gene: ERCC8 (ERCC excision repair 8, CSA ubiquitin ligase complex subunit; minus strand). Cytogenetic location: 5q12.1.
Variant type: Deletion.
Identifiers: ClinVar variation 1696076 (VCV001696076.1).